The following is an entry in ClinVar:

NM_001103146.3(GIGYF2):c.2555G>A (p.Arg852Gln)

Gene: GIGYF2 (GRB10 interacting GYF protein 2; plus strand). Cytogenetic location: 2q37.1.
Variant type: single nucleotide variant.
Coding change: c.2555G>A on transcript NM_001103146.3 (MANE Select); coding-DNA position 2555, G replaced by A.
Protein change: p.Arg852Gln; replaces arginine 852 with glutamine.
Molecular consequence: missense variant. On other transcripts: non-coding transcript variant (1).
Genome position (GRCh38, 1-based): chr2:232,832,882, G>A. VCF-style: chr2-232832882-G-A. GRCh37 (hg19) VCF-style: chr2-233697592-G-A.
Other names: c.2618G>A, p.Arg873Gln (NM_001103147.2); c.2537G>A, p.Arg846Gln (NM_001103148.2); c.2555G>A, p.Arg852Gln (NM_015575.4); short protein forms R846Q, R852Q, R873Q.
Identifiers: ClinVar variation 4537319 (VCV004537319.1).

ClinVar aggregate classification (germline): Uncertain significance (1 of 4 stars; one submission).

gnomAD v4.1: 314 of 1,557,282 alleles (0.02%); highest among the groups gnomAD compares: South Asian, 0.052%; no homozygotes.

Submission:

Women's Health and Genetics/Laboratory Corporation of America, LabCorp
Classification: Uncertain significance. Last evaluated: 2025-11-19. Review status: criteria provided, single submitter. Criteria: LabCorp Variant Classification Summary - May 2015. Collection method: clinical testing. Allele origin: germline.
Comment: Variant summary: GIGYF2 c.2555G>A (p.Arg852Gln) results in a conservative amino acid change in the encoded protein sequence. Algorithms developed to predict the effect of missense changes on protein structure and function are either unavailable or do not agree on the potential impact of this missense change. The variant allele was found at a frequency of 0.00016 in 164654 control chromosomes. This frequency is not significantly higher than estimated for disease-causing variants in GIGYF2, allowing no conclusion about variant significance. To our knowledge, no occurrence of c.2555G>A in individuals affected with GIGYF2-related conditions and no experimental evidence demonstrating its impact on protein function have been reported. No submitters have cited clinical-significance assessments for this variant to ClinVar. Based on the evidence outlined above, the variant was classified as uncertain significance.